The following is an entry in ClinVar:

ClinVar aggregate classification (germline): Likely benign (1 of 4 stars; one submission).

Conditions:
UROD-related disorder. Also called: UROD-related condition; UROD-related disorders.

gnomAD v4.1: 18 of 1,612,510 alleles (0.0011%); highest among the groups gnomAD compares: African/African-American, 0.013%; no homozygotes.

Submission:

PreventionGenetics, part of Exact Sciences
Classification: Likely benign for UROD-related condition. Last evaluated: 2026-04-28. Review status: criteria provided, single submitter. Criteria: ACMG Guidelines, 2015. Collection method: clinical testing. Allele origin: germline.
Comment: This variant is classified as likely benign based on ACMG/AMP sequence variant interpretation guidelines (Richards et al. 2015 PMID: 25741868, with internal and published modifications).

NM_000374.5(UROD):c.48T>C (p.Asn16=)

Gene: UROD (uroporphyrinogen decarboxylase; plus strand). Cytogenetic location: 1p34.1.
Variant type: single nucleotide variant.
Coding change: c.48T>C on transcript NM_000374.5 (MANE Select); coding-DNA position 48, T replaced by C.
Protein change: p.Asn16=; no amino-acid change (asparagine 16 retained).
Molecular consequence: synonymous variant. On other transcripts: non-coding transcript variant (3).
Genome position (GRCh38, 1-based): chr1:45,012,934, T>C. VCF-style: chr1-45012934-T-C. GRCh37 (hg19) VCF-style: chr1-45478606-T-C.
Identifiers: ClinVar variation 4977409 (VCV004977409.1).